The following is an entry in ClinVar:

NM_002691.4(POLD1):c.1559T>C (p.Leu520Pro)

Gene: POLD1 (DNA polymerase delta 1, catalytic subunit; plus strand). Cytogenetic location: 19q13.33.
Variant type: single nucleotide variant.
Coding change: c.1559T>C on transcript NM_002691.4 (MANE Select); coding-DNA position 1559, T replaced by C.
Protein change: p.Leu520Pro; replaces leucine 520 with proline.
Molecular consequence: missense variant. On other transcripts: non-coding transcript variant (1).
Genome position (GRCh38, 1-based): chr19:50,407,047, T>C. VCF-style: chr19-50407047-T-C. GRCh37 (hg19) VCF-style: chr19-50910304-T-C.
Other names: c.1559T>C, p.Leu520Pro (NM_001256849.1, NM_001308632.1); short protein forms L520P.
Identifiers: ClinVar variation 1775216 (VCV001775216.2), dbSNP rs200032456, ClinGen allele CA406980868.

ClinVar aggregate classification (germline): Uncertain significance (1 of 4 stars; one submission).

Conditions:
Hereditary cancer-predisposing syndrome. Also called: Hereditary Cancer Syndrome; Hereditary neoplastic syndrome; Neoplastic Syndromes, Hereditary; Tumor predisposition. Identifiers: Orphanet 140162, MedGen C0027672, MeSH D009386, MONDO:0015356.

Submission:

Ambry Genetics
Classification: Uncertain significance for Hereditary cancer-predisposing syndrome. Last evaluated: 2022-09-20. Review status: criteria provided, single submitter. Criteria: Ambry Variant Classification Scheme 2023. Collection method: clinical testing. Allele origin: germline.
Comment: The p.L520P variant (also known as c.1559T>C), located in coding exon 12 of the POLD1 gene, results from a T to C substitution at nucleotide position 1559. The leucine at codon 520 is replaced by proline, an amino acid with similar properties. This amino acid position is conserved. In addition, the in silico prediction for this alteration is inconclusive. Since supporting evidence is limited at this time, the clinical significance of this alteration remains unclear.